The following is an entry in ClinVar:

NM_001001331.4(ATP2B2):c.1331T>C (p.Phe444Ser)

Gene: ATP2B2 (ATPase plasma membrane Ca2+ transporting 2; minus strand). Cytogenetic location: 3p25.3.
Variant type: single nucleotide variant.
Coding change: c.1331T>C on transcript NM_001001331.4 (MANE Select); coding-DNA position 1331, T replaced by C.
Protein change: p.Phe444Ser; replaces phenylalanine 444 with serine.
Molecular consequence: missense variant.
Genome position (GRCh38, 1-based): chr3:10,375,515, A>G on the plus strand (T>C on the coding strand, the complement: ATP2B2 is on the minus strand). VCF-style: chr3-10375515-A-G. GRCh37 (hg19) VCF-style: chr3-10417199-A-G.
Other names: c.1196T>C, p.Phe399Ser (NM_001330611.3, NM_001353564.1, NM_001363862.1 and 1 more transcripts); short protein forms F399S, F444S.
Identifiers: ClinVar variation 2111511 (VCV002111511.4), dbSNP rs2061357326, ClinGen allele CA351784407.

ClinVar aggregate classification (germline): Uncertain significance (1 of 4 stars; one submission).

Allele frequency attached by ClinVar (database versions not stated): gnomAD 0.00001; gnomAD exomes 0.00001.
gnomAD v4.1: 8 of 1,613,600 alleles (0.0005%); highest among the groups gnomAD compares: African/African-American, 0.0013%; no homozygotes.

Submission:

Labcorp Genetics (formerly Invitae), Labcorp
Classification: Uncertain significance. Last evaluated: 2022-04-21. Review status: criteria provided, single submitter. Criteria: Invitae Variant Classification Sherloc (09022015). Collection method: clinical testing. Allele origin: germline.
Comment: In summary, the available evidence is currently insufficient to determine the role of this variant in disease. Therefore, it has been classified as a Variant of Uncertain Significance. Advanced modeling of protein sequence and biophysical properties (such as structural, functional, and spatial information, amino acid conservation, physicochemical variation, residue mobility, and thermodynamic stability) performed at Invitae indicates that this missense variant is expected to disrupt ATP2B2 protein function. This variant has not been reported in the literature in individuals affected with ATP2B2-related conditions. This variant is not present in population databases (gnomAD no frequency). This sequence change replaces phenylalanine, which is neutral and non-polar, with serine, which is neutral and polar, at codon 399 of the ATP2B2 protein (p.Phe399Ser).